The following is an entry in ClinVar:

NM_022168.4(IFIH1):c.946G>T (p.Ala316Ser)

Gene: IFIH1 (interferon induced with helicase C domain 1; minus strand). Cytogenetic location: 2q24.2.
Variant type: single nucleotide variant.
Coding change: c.946G>T on transcript NM_022168.4 (MANE Select); coding-DNA position 946, G replaced by T.
Protein change: p.Ala316Ser; replaces alanine 316 with serine.
Molecular consequence: missense variant.
Genome position (GRCh38, 1-based): chr2:162,288,284, C>A on the plus strand (G>T on the coding strand, the complement: IFIH1 is on the minus strand). VCF-style: chr2-162288284-C-A. GRCh37 (hg19) VCF-style: chr2-163144794-C-A.
Other names: short protein forms A316S.
Identifiers: ClinVar variation 1051329 (VCV001051329.9), dbSNP rs1355343871, ClinGen allele CA349004846.

ClinVar aggregate classification (germline): Uncertain significance (1 of 4 stars; one submission).

Conditions:
Aicardi-Goutieres syndrome 7 (AGS7). Identifiers: Orphanet 51, MedGen C3888244, MONDO:0014367, OMIM 615846.
Singleton-Merten syndrome 1 (SGMRT1). Also called: Widened medullary cavities of bone, aortic calcification, abnormal dentition, and muscular weakness; Syndrome of widened medullary cavities of the metacarpals and phalanges, aortic calcification and abnormal dentition. Identifiers: Orphanet 85191, MedGen C4225427, MONDO:0024535, OMIM 182250.

gnomAD v4.1: 26 of 1,612,830 alleles (0.0016%); highest among the groups gnomAD compares: Non-Finnish European, 0.0019%; no homozygotes.

Submission:

Labcorp Genetics (formerly Invitae), Labcorp
Classification: Uncertain significance for Aicardi-Goutieres syndrome 7; Singleton-Merten syndrome 1. Last evaluated: 2025-04-27. Review status: criteria provided, single submitter. Criteria: Invitae Variant Classification Sherloc (09022015). Collection method: clinical testing. Allele origin: germline.
Comment: This sequence change replaces alanine, which is neutral and non-polar, with serine, which is neutral and polar, at codon 316 of the IFIH1 protein (p.Ala316Ser). This variant is present in population databases (no rsID available, gnomAD 0.0009%). This variant has not been reported in the literature in individuals affected with IFIH1-related conditions. ClinVar contains an entry for this variant (Variation ID: 1051329). Invitae Evidence Modeling of protein sequence and biophysical properties (such as structural, functional, and spatial information, amino acid conservation, physicochemical variation, residue mobility, and thermodynamic stability) has been performed for this missense variant. However, the output from this modeling did not meet the statistical confidence thresholds required to predict the impact of this variant on IFIH1 protein function. In summary, the available evidence is currently insufficient to determine the role of this variant in disease. Therefore, it has been classified as a Variant of Uncertain Significance.